The following is an entry in ClinVar:

ClinVar aggregate classification (germline): Uncertain significance (1 of 4 stars; one submission).

Conditions:
Epileptic encephalopathy. Identifiers: MedGen C0543888, HP:0200134.

Allele frequency attached by ClinVar (database versions not stated): gnomAD 0.00001; gnomAD exomes 0.00001; TOPMed 0.00002.

Submission:

Labcorp Genetics (formerly Invitae), Labcorp
Classification: Uncertain significance for Epileptic encephalopathy. Last evaluated: 2024-12-09. Review status: criteria provided, single submitter. Criteria: Invitae Variant Classification Sherloc (09022015). Collection method: clinical testing. Allele origin: germline.
Comment: This sequence change replaces arginine, which is basic and polar, with cysteine, which is neutral and slightly polar, at codon 1255 of the FASN protein (p.Arg1255Cys). The frequency data for this variant in the population databases is considered unreliable, as metrics indicate poor data quality at this position in the gnomAD database. This variant has not been reported in the literature in individuals affected with FASN-related conditions. ClinVar contains an entry for this variant (Variation ID: 1446953). An algorithm developed to predict the effect of missense changes on protein structure and function (PolyPhen-2) suggests that this variant is likely to be disruptive. In summary, the available evidence is currently insufficient to determine the role of this variant in disease. Therefore, it has been classified as a Variant of Uncertain Significance.

NM_004104.5(FASN):c.3763C>T (p.Arg1255Cys)

Gene: FASN (fatty acid synthase; minus strand). Cytogenetic location: 17q25.3.
Variant type: single nucleotide variant.
Coding change: c.3763C>T on transcript NM_004104.5 (MANE Select); coding-DNA position 3763, C replaced by T.
Protein change: p.Arg1255Cys; replaces arginine 1255 with cysteine.
Molecular consequence: missense variant.
Genome position (GRCh38, 1-based): chr17:82,085,841, G>A on the plus strand (C>T on the coding strand, the complement: FASN is on the minus strand). VCF-style: chr17-82085841-G-A. GRCh37 (hg19) VCF-style: chr17-80043717-G-A.
Other names: short protein forms R1255C.
Identifiers: ClinVar variation 1446953 (VCV001446953.8), dbSNP rs1470616365, ClinGen allele CA401550334.